The following is an entry in ClinVar:

NM_032603.5(LOXL3):c.79C>G (p.Pro27Ala)

Genes: DOK1 (docking protein 1; plus strand), LOXL3 (lysyl oxidase like 3; minus strand). Cytogenetic location: 2p13.1.
Variant type: single nucleotide variant.
Coding change: c.79C>G on transcript NM_032603.5 (MANE Select); coding-DNA position 79, C replaced by G.
Protein change: p.Pro27Ala; replaces proline 27 with alanine.
Molecular consequence: missense variant. On other transcripts: intron variant (1).
Genome position (GRCh38, 1-based): chr2:74,552,556, G>C on the plus strand (C>G on the coding strand, the complement: LOXL3 is on the minus strand). VCF-style: chr2-74552556-G-C. GRCh37 (hg19) VCF-style: chr2-74779683-G-C.
Other names: c.79C>G, p.Pro27Ala (NM_001289164.3); c.-357-2598G>C (NM_001197260.2); short protein forms P27A.
Identifiers: ClinVar variation 262092 (VCV000262092.35), dbSNP rs146972503, ClinGen allele CA1729271.

ClinVar aggregate classification (germline): Benign/Likely benign. Review status: criteria provided, multiple submitters, no conflicts (2 of 4 stars). 4 submissions from 4 submitters: Benign (1); Likely benign (3). Last evaluated 2026-02-02.

Allele frequency attached by ClinVar (database versions not stated): 1000 Genomes Project 30x 0.00078; TOPMed 0.00189; gnomAD 0.00235 and 0.00231; ESP Exome Variant Server 0.00239; gnomAD exomes 0.00214 and 0.00275; 1000 Genomes Project 0.00100; ExAC 0.00238.
gnomAD v4.1: 4,339 of 1,611,874 alleles (0.27%); highest among the groups gnomAD compares: Non-Finnish European, 0.32%; 14 homozygotes.

Submissions (4):

Labcorp Genetics (formerly Invitae), Labcorp
Classification: Likely benign. Last evaluated: 2026-02-02. Review status: criteria provided, single submitter. Criteria: Invitae Variant Classification Sherloc (09022015). Collection method: clinical testing. Allele origin: germline.

CeGaT Center for Human Genetics Tuebingen
Classification: Likely benign. Last evaluated: 2023-05-01. Review status: criteria provided, single submitter. Criteria: CeGaT Center For Human Genetics Tuebingen Variant Classification Criteria Version 2. Collection method: clinical testing. Allele origin: germline. Affected: yes. Observed: 2 variant alleles.
Comment: DOK1: BS2; LOXL3: BP4, BS2

Breakthrough Genomics
Classification: Likely benign. Review status: criteria provided, single submitter. Criteria: ACMG Guidelines, 2015. Collection method: not provided. Allele origin: germline. Inheritance: Autosomal recessive inheritance. Affected: yes.

PreventionGenetics, part of Exact Sciences
Classification: Benign. Review status: criteria provided, single submitter. Criteria: ACMG Guidelines, 2015. Collection method: clinical testing. Allele origin: germline.